The following is an entry in ClinVar:

NM_212552.3(BOLA3):c.70C>T (p.Arg24Trp)

Gene: BOLA3 (bolA family member 3; minus strand). Cytogenetic location: 2p13.1.
Variant type: single nucleotide variant.
Coding change: c.70C>T on transcript NM_212552.3 (MANE Select); coding-DNA position 70, C replaced by T.
Protein change: p.Arg24Trp; replaces arginine 24 with tryptophan.
Molecular consequence: missense variant.
Genome position (GRCh38, 1-based): chr2:74,145,288, G>A on the plus strand (C>T on the coding strand, the complement: BOLA3 is on the minus strand). VCF-style: chr2-74145288-G-A. GRCh37 (hg19) VCF-style: chr2-74372415-G-A.
Other names: c.70C>T, p.Arg24Trp (NM_001035505.2); short protein forms R24W.
Identifiers: ClinVar variation 1309343 (VCV001309343.2), dbSNP rs376343275, ClinGen allele CA1719500.

ClinVar aggregate classification (germline): Uncertain significance (1 of 4 stars; one submission).

Allele frequency attached by ClinVar (database versions not stated): gnomAD exomes 0.00001 and 0.00002; ExAC 0.00002; gnomAD 0.00004 and 0.00006; TOPMed 0.00007; ESP Exome Variant Server 0.00008.
gnomAD v4.1: 20 of 1,601,702 alleles (0.0012%); highest among the groups gnomAD compares: African/African-American, 0.019%; no homozygotes.

Submission:

GeneDx
Classification: Uncertain significance. Last evaluated: 2019-08-30. Review status: criteria provided, single submitter. Criteria: GeneDx Variant Classification Process June 2021. Collection method: clinical testing. Allele origin: germline. Affected: yes.
Comment: In silico analysis, which includes protein predictors and evolutionary conservation, supports a deleterious effect; Has not been previously published as pathogenic or benign to our knowledge